The following is an entry in ClinVar:

NM_001005361.3(DNM2):c.177C>A (p.Arg59=)

Gene: DNM2 (dynamin 2; plus strand). Cytogenetic location: 19p13.2.
Variant type: single nucleotide variant.
Coding change: c.177C>A on transcript NM_001005361.3 (MANE Select); coding-DNA position 177, C replaced by A.
Protein change: p.Arg59=; no amino-acid change (arginine 59 retained).
Molecular consequence: synonymous variant.
Genome position (GRCh38, 1-based): chr19:10,759,753, C>A. VCF-style: chr19-10759753-C-A. GRCh37 (hg19) VCF-style: chr19-10870429-C-A.
Other names: c.177C>A, p.Arg59= (NM_001005360.3, NM_001005362.3, NM_001190716.2 and 1 more transcripts).
Identifiers: ClinVar variation 533833 (VCV000533833.13), dbSNP rs762795230, ClinGen allele CA9200723.

ClinVar aggregate classification (germline): Likely benign. Review status: criteria provided, multiple submitters, no conflicts (2 of 4 stars). 3 submissions from 3 submitters: Likely benign (3). Last evaluated 2026-08-26.

Conditions:
DNM2-related disorder. Also called: DNM2-related condition.
Charcot-Marie-Tooth disease dominant intermediate B (CMTDIB). Also called: CHARCOT-MARIE-TOOTH NEUROPATHY, DOMINANT INTERMEDIATE B; Charcot-Marie-Tooth disease dominant intermediate 1; CMT DI1; Charcot-Marie-Tooth disease dominant intermediate I. Identifiers: Orphanet 100044, Orphanet 228179, MedGen C1847902, MONDO:0011674, OMIM 606482.
Inborn genetic diseases. Identifiers: MedGen C0950123, MeSH D030342.

Allele frequency attached by ClinVar (database versions not stated): TOPMed 0.00002; gnomAD 0.00003.
gnomAD v4.1: 15 of 1,614,026 alleles (0.00093%); highest among the groups gnomAD compares: East Asian, 0.0045%; no homozygotes.

Submissions (3):

PreventionGenetics, part of Exact Sciences
Classification: Likely benign for DNM2-related condition. Last evaluated: 2026-08-26. Review status: criteria provided, single submitter. Criteria: ACMG Guidelines, 2015. Collection method: clinical testing. Allele origin: germline.
Comment: This variant is classified as likely benign based on ACMG/AMP sequence variant interpretation guidelines (Richards et al. 2015 PMID: 25741868, with internal and published modifications).

Labcorp Genetics (formerly Invitae), Labcorp
Classification: Likely benign for Charcot-Marie-Tooth disease dominant intermediate B. Last evaluated: 2025-11-18. Review status: criteria provided, single submitter. Criteria: Invitae Variant Classification Sherloc (09022015). Collection method: clinical testing. Allele origin: germline.

Ambry Genetics
Classification: Likely benign for Inborn genetic diseases. Last evaluated: 2019-07-11. Review status: criteria provided, single submitter. Criteria: Ambry Variant Classification Scheme 2023. Collection method: clinical testing. Allele origin: germline.